The following is an entry in ClinVar:

ClinVar aggregate classification (germline): Uncertain significance (1 of 4 stars; one submission).

gnomAD v4.1: 6 of 1,607,044 alleles (0.00037%); highest among the groups gnomAD compares: Non-Finnish European, 0.00051%; no homozygotes.

Submission:

Labcorp Genetics (formerly Invitae), Labcorp
Classification: Uncertain significance. Last evaluated: 2022-09-13. Review status: criteria provided, single submitter. Criteria: Invitae Variant Classification Sherloc (09022015). Collection method: clinical testing. Allele origin: germline.
Comment: In summary, the available evidence is currently insufficient to determine the role of this variant in disease. Therefore, it has been classified as a Variant of Uncertain Significance. Variants that disrupt the consensus splice site are a relatively common cause of aberrant splicing (PMID: 17576681, 9536098). Algorithms developed to predict the effect of sequence changes on RNA splicing suggest that this variant may disrupt the consensus splice site. Algorithms developed to predict the effect of missense changes on protein structure and function (SIFT, PolyPhen-2, Align-GVGD) all suggest that this variant is likely to be tolerated. ClinVar contains an entry for this variant (Variation ID: 1382443). This variant has not been reported in the literature in individuals affected with LHB-related conditions. This variant is present in population databases (rs759224828, gnomAD 0.0009%). This sequence change replaces methionine, which is neutral and non-polar, with isoleucine, which is neutral and non-polar, at codon 61 of the LHB protein (p.Met61Ile). This variant also falls at the last nucleotide of exon 2, which is part of the consensus splice site for this exon.

Literature cited by the submitters: PubMed 17576681; PubMed 9536098.

NM_000894.3(LHB):c.183G>T (p.Met61Ile)

Gene: LHB (luteinizing hormone subunit beta; minus strand). Cytogenetic location: 19q13.33.
Variant type: single nucleotide variant.
Coding change: c.183G>T on transcript NM_000894.3 (MANE Select); coding-DNA position 183, G replaced by T.
Protein change: p.Met61Ile; replaces methionine 61 with isoleucine.
Molecular consequence: missense variant.
Genome position (GRCh38, 1-based): chr19:49,016,547, C>A on the plus strand (G>T on the coding strand, the complement: LHB is on the minus strand). VCF-style: chr19-49016547-C-A. GRCh37 (hg19) VCF-style: chr19-49519804-C-A.
Other names: short protein forms M61I.
Identifiers: ClinVar variation 1382443 (VCV001382443.6), dbSNP rs759224828, ClinGen allele CA9564379.